The following is an entry in ClinVar:

ClinVar aggregate classification (germline): Uncertain significance (1 of 4 stars; one submission).

gnomAD v4.1: 1 of 1,614,142 alleles (0.000062%); highest among the groups gnomAD compares: Admixed American, 0.0017%; no homozygotes.

Submission:

GeneDx
Classification: Uncertain significance. Last evaluated: 2023-06-28. Review status: criteria provided, single submitter. Criteria: GeneDx Variant Classification Process June 2021. Collection method: clinical testing. Allele origin: germline. Affected: yes.
Comment: Not observed at significant frequency in large population cohorts (gnomAD); In silico analysis supports that this missense variant has a deleterious effect on protein structure/function; Has not been previously published as pathogenic or benign to our knowledge

NM_001105206.3(LAMA4):c.3248C>A (p.Ala1083Asp)

Gene: LAMA4 (laminin subunit alpha 4; minus strand). Cytogenetic location: 6q21.
Variant type: single nucleotide variant.
Coding change: c.3248C>A on transcript NM_001105206.3 (MANE Select); coding-DNA position 3248, C replaced by A.
Protein change: p.Ala1083Asp; replaces alanine 1083 with aspartic acid.
Molecular consequence: missense variant.
Genome position (GRCh38, 1-based): chr6:112,139,154, G>T on the plus strand (C>A on the coding strand, the complement: LAMA4 is on the minus strand). VCF-style: chr6-112139154-G-T. GRCh37 (hg19) VCF-style: chr6-112460356-G-T.
Other names: c.3227C>A, p.Ala1076Asp (NM_001105207.3, NM_002290.5); short protein forms A1076D, A1083D.
Identifiers: ClinVar variation 3360481 (VCV003360481.1).